The following is an entry in ClinVar:

ClinVar aggregate classification (germline): Conflicting classifications of pathogenicity. Review status: criteria provided, conflicting classifications (1 of 4 stars). 2 submissions from 2 submitters: Likely pathogenic (1); Uncertain significance (1). Last evaluated 2025-07-02.

Conditions:
Ectodermal dysplasia 17 with or without limb malformations. Identifiers: MedGen C6012731, MONDO:0979228, OMIM 621224.

Submissions (2):

Victorian Clinical Genetics Services, Murdoch Childrens Research Institute
Classification: Likely pathogenic for Ectodermal dysplasia 17 with or without limb malformations. Last evaluated: 2025-07-02. Review status: criteria provided, single submitter. Criteria: ACMG Guidelines, 2015. Collection method: clinical testing. Allele origin: germline. Affected: yes.
Comment: This variant is classified as Likely pathogenic. Evidence in support of pathogenic classification: Variant is predicted to cause nonsense-mediated decay (NMD) and loss of protein (premature termination codon is located at least 54 nucleotides upstream of the final exon-exon junction); Variant is absent from gnomAD (v2, v3 and v4); Other NMD-predicted variant(s) comparable to the one identified in this case have moderate previous evidence for pathogenicity. p.(Gln182Lysfs*65) and p.(His286Metfs*18) have been reported in the literature in individuals with ectodermal dysplasia (PMIDs: 35583550, 39107921). Additional information: This variant is heterozygous; This gene is associated with autosomal dominant disease. One instance of recessive inheritance has been reported (PMID: 35583550); This variant has no previous evidence of pathogenicity; No published functional evidence has been identified for this variant; Loss of function is a suggested mechanism of disease in this gene and is associated with ectodermal dysplasia 17 with or without limb malformations (MIM#621224); Variants in this gene are known to have variable expressivity. Some features of disease such as ectodermal dysplasia and limb malformations have been noted as variable in affected individuals (PMID: 35583550).

Blueprint Genetics
Classification: Uncertain significance. Last evaluated: 2024-06-18. Review status: criteria provided, single submitter. Criteria: ACMG Guidelines, 2015. Collection method: clinical testing. Allele origin: germline.

Literature cited by the submitters: PubMed 39107921 (cited by Victorian Clinical Genetics Services, Murdoch Childrens Research Institute); PubMed 35583550 (cited by Victorian Clinical Genetics Services, Murdoch Childrens Research Institute).

NM_016269.5(LEF1):c.469dup (p.Leu157fs)

Gene: LEF1 (lymphoid enhancer binding factor 1; minus strand). Cytogenetic location: 4q25.
Variant type: Duplication.
Coding change: c.469dup on transcript NM_016269.5 (MANE Select); coding-DNA position 469, one base duplicated (C; older notation c.469dupC).
Protein change: p.Leu157fs; shifts the reading frame from leucine 157.
Molecular consequence: frameshift variant.
Genome position (GRCh38, 1-based): chr4:108,089,203, G duplicated on the plus strand (C on the coding strand, the reverse complement: LEF1 is on the minus strand); the first of 6 consecutive G bases (chr4:108,089,203-108,089,208); duplicating any one gives the same sequence. VCF-style (leftmost placement, unchanged base first): chr4-108089202-A-AG. GRCh37 (hg19) VCF-style: chr4-109010358-A-AG.
Other names: c.469dup, p.Leu157fs (NM_001130713.3, NM_001130714.3); c.265dup, p.Leu89fs (NM_001166119.2); short protein forms L157fs, L89fs.
Identifiers: ClinVar variation 4531918 (VCV004531918.2).